The following is an entry in ClinVar:

NM_032043.3(BRIP1):c.1072_1087del (p.Leu358fs)

Gene: BRIP1 (BRCA1 interacting DNA helicase 1; minus strand). Cytogenetic location: 17q23.2.
Variant type: Deletion.
Coding change: c.1072_1087del on transcript NM_032043.3 (MANE Select); coding-DNA positions 1072 to 1087, 16 bases deleted (CTAATACAAGATGCTG).
Protein change: p.Leu358fs; shifts the reading frame from leucine 358.
Molecular consequence: frameshift variant.
Genome position (GRCh38, 1-based): chr17:61,801,306-61,801,321, CAGCATCTTGTATTAG deleted on the plus strand (CTAATACAAGATGCTG on the coding strand, the reverse complement: BRIP1 is on the minus strand). VCF-style (leftmost placement, unchanged base first): chr17-61801305-TCAGCATCTTGTATTAG-T. GRCh37 (hg19) VCF-style: chr17-59878666-TCAGCATCTTGTATTAG-T.
Other names: c.1072_1087delCTAATACAAGATGCTG (NM_032043.2); short protein forms L358fs.
Identifiers: ClinVar variation 565356 (VCV000565356.10), dbSNP rs1567831649, ClinGen allele CA891843525.
Genomic context (GRCh38, chr17:61,801,305, plus strand): 5'-ATACTCACACTTTCCCTTATTTGTGCATCTAGAAGATAGTTGTAGGGACAAAATATGATG[TCAGCATCTTGTATTAG>T]TTCTCGGGCTGTGTAATATGGACAGGCCTTTAGTTTCTTCCCCAGGCTGACAAGTTCTTC-3'

ClinVar aggregate classification (germline): Pathogenic/Likely pathogenic. Review status: criteria provided, multiple submitters, no conflicts (2 of 4 stars). 3 submissions from 3 submitters: Pathogenic (2); Likely pathogenic (1). Last evaluated 2023-06-01.

Conditions:
Familial cancer of breast. Also called: Hereditary breast cancer; BREAST CANCER, FAMILIAL; hereditary breast carcinoma. Identifiers: Orphanet 227535, MedGen C0346153, MONDO:0016419, OMIM 114480. Disease mechanism: loss of function.
Fanconi anemia complementation group J. Also called: BRIP1-Related Fanconi Anemia. Identifiers: Orphanet 84, MedGen C1836860, MONDO:0012187, OMIM 609054.

Submissions (3):

Myriad Genetics, Inc.
Classification: Pathogenic for Familial cancer of breast. Last evaluated: 2023-06-01. Review status: criteria provided, single submitter. Criteria: Myriad Autosomal Dominant, Autosomal Recessive and X-Linked Classification Criteria (2023). Collection method: clinical testing. Allele origin: unknown.
Comment: This variant is considered pathogenic. This variant creates a frameshift predicted to result in premature protein truncation.

Baylor Genetics
Classification: Likely pathogenic for Familial cancer of breast. Last evaluated: 2022-11-03. Review status: criteria provided, single submitter. Criteria: ACMG Guidelines, 2015. Collection method: clinical testing. Allele origin: unknown.

Labcorp Genetics (formerly Invitae), Labcorp
Classification: Pathogenic for Familial cancer of breast; Fanconi anemia complementation group J. Last evaluated: 2018-04-15. Review status: criteria provided, single submitter. Criteria: Invitae Variant Classification Sherloc (09022015). Collection method: clinical testing. Allele origin: germline.
Comment: This sequence change creates a premature translational stop signal (p.Leu358Thrfs*11) in the BRIP1 gene. It is expected to result in an absent or disrupted protein product. This variant is not present in population databases (ExAC no frequency). This variant has not been reported in the literature in individuals with BRIP1-related disease. Loss-of-function variants in BRIP1 are known to be pathogenic (PMID: 16116423, 17033622, 21964575). For these reasons, this variant has been classified as Pathogenic.

Literature cited by the submitters: PubMed 16116423 (cited by Labcorp Genetics (formerly Invitae), Labcorp); PubMed 17033622 (cited by Labcorp Genetics (formerly Invitae), Labcorp); PubMed 21964575 (cited by Labcorp Genetics (formerly Invitae), Labcorp).